The following is an entry in ClinVar:

NM_001999.4(FBN2):c.5674+18T>G

Gene: FBN2 (fibrillin 2; minus strand). Cytogenetic location: 5q23.3.
Variant type: single nucleotide variant.
Coding change: c.5674+18T>G on transcript NM_001999.4 (MANE Select); 18 bases into the intron after coding-DNA position 5674, T replaced by G.
Molecular consequence: intron variant.
Genome position (GRCh38, 1-based): chr5:128,305,493, A>C on the plus strand (T>G on the coding strand, the complement: FBN2 is on the minus strand). VCF-style: chr5-128305493-A-C. GRCh37 (hg19) VCF-style: chr5-127641185-A-C.
Identifiers: ClinVar variation 389331 (VCV000389331.13), dbSNP rs199749609, ClinGen allele CA3394642.

ClinVar aggregate classification (germline): Likely benign. Review status: criteria provided, multiple submitters, no conflicts (2 of 4 stars). 6 submissions from 6 submitters: Likely benign (6). Last evaluated 2025-12-29.

Conditions:
Congenital contractural arachnodactyly (CCA). Also called: BEALS SYNDROME; Beals-Hecht syndrome; Arthrogryposis, distal, type 9. Identifiers: Orphanet 115, MedGen C0220668, MONDO:0007363, OMIM 121050.
Macular degeneration, early-onset (EOMD). Identifiers: MedGen C4015286, MONDO:0014501, OMIM 616118.

Allele frequency attached by ClinVar (database versions not stated): gnomAD 0.00004 and 0.00005; ExAC 0.00005; gnomAD exomes 0.00005 and 0.00007; TOPMed 0.00006.
gnomAD v4.1: 88 of 1,613,796 alleles (0.0055%); highest among the groups gnomAD compares: Middle Eastern, 0.15%; no homozygotes.

Submissions (6):

Labcorp Genetics (formerly Invitae), Labcorp
Classification: Likely benign for Congenital contractural arachnodactyly. Last evaluated: 2025-12-29. Review status: criteria provided, single submitter. Criteria: Invitae Variant Classification Sherloc (09022015). Collection method: clinical testing. Allele origin: germline.

ARUP Laboratories, Molecular Genetics and Genomics, ARUP Laboratories
Classification: Likely benign. Last evaluated: 2025-03-11. Review status: criteria provided, single submitter. Criteria: ARUP Molecular Germline Variant Investigation Process 2024. Collection method: clinical testing. Allele origin: germline.

Blueprint Genetics
Classification: Likely benign. Last evaluated: 2024-11-11. Review status: criteria provided, single submitter. Criteria: ACMG Guidelines, 2015. Collection method: clinical testing. Allele origin: germline.

Fulgent Genetics
Classification: Likely benign for Congenital contractural arachnodactyly; Macular degeneration, early-onset. Last evaluated: 2021-09-14. Review status: criteria provided, single submitter. Criteria: ACMG Guidelines, 2015. Collection method: clinical testing. Allele origin: unknown.

GeneDx
Classification: Likely benign. Last evaluated: 2016-09-15. Review status: criteria provided, single submitter. Criteria: GeneDx Variant Classification (06012015). Collection method: clinical testing. Allele origin: germline. Affected: yes.
Comment: This variant is considered likely benign or benign based on one or more of the following criteria: it is a conservative change, it occurs at a poorly conserved position in the protein, it is predicted to be benign by multiple in silico algorithms, and/or has population frequency not consistent with disease.

Breakthrough Genomics
Classification: Likely benign. Review status: criteria provided, single submitter. Criteria: ACMG Guidelines, 2015. Collection method: not provided. Allele origin: germline. Inheritance: Autosomal dominant inheritance. Affected: yes.